The following is an entry in ClinVar:

NM_024675.4(PALB2):c.2369A>C (p.Gln790Pro)

Gene: PALB2 (partner and localizer of BRCA2; minus strand). Cytogenetic location: 16p12.2.
Variant type: single nucleotide variant.
Coding change: c.2369A>C on transcript NM_024675.4 (MANE Select); coding-DNA position 2369, A replaced by C.
Protein change: p.Gln790Pro; replaces glutamine 790 with proline.
Molecular consequence: missense variant. On other transcripts: intron variant (1).
Genome position (GRCh38, 1-based): chr16:23,629,785, T>G on the plus strand (A>C on the coding strand, the complement: PALB2 is on the minus strand). VCF-style: chr16-23629785-T-G. GRCh37 (hg19) VCF-style: chr16-23641106-T-G.
Other names: c.2369A>C, p.Gln790Pro (NM_001407297.1, NM_001407298.1, NM_001407299.1 and 3 more transcripts); c.1484A>C, p.Gln495Pro (NM_001407304.1, NM_001407305.1, NM_001407306.1 and 5 more transcripts); c.581A>C, p.Gln194Pro (NM_001407312.1, NM_001407313.1); c.49-510A>C (NM_001407314.1); c.2309A>C, p.Gln770Pro (NM_001407296.1); short protein forms Q194P, Q495P, Q770P, Q790P.
Identifiers: ClinVar variation 3894147 (VCV003894147.1).
Genomic context (GRCh38, chr16:23,629,785, plus strand): 5'-GGTGTTCCTGGCGGGACAGAGTCACAGTCACAGGTAGGTTGTCCTTGCCTGCCTGACACT[T>G]GCAGGGTGGTATGTGGTTTTGCTGGGCTGCCTGAACTGTCGAATTGTTTAGTATCACTGG-3'
Protein context (NP_078951.2, residues 780-800): GSPAKPHTTL[Gln790Pro]VSGRQGQPTC

ClinVar aggregate classification (germline): Uncertain significance (1 of 4 stars; one submission).

Conditions:
Hereditary cancer-predisposing syndrome. Also called: Neoplastic Syndromes, Hereditary; Tumor predisposition; Hereditary Cancer Syndrome; Hereditary neoplastic syndrome. Identifiers: Orphanet 140162, MedGen C0027672, MeSH D009386, MONDO:0015356.

Submission:

Color Diagnostics, LLC DBA Color Health
Classification: Uncertain significance for Hereditary cancer-predisposing syndrome. Last evaluated: 2024-08-20. Review status: criteria provided, single submitter. Criteria: ACMG Guidelines, 2015. Collection method: clinical testing. Allele origin: germline.
Comment: This missense variant replaces glutamine with proline at codon 790 of the PALB2 protein. Computational prediction suggests that this variant may not impact protein structure and function. To our knowledge, functional studies have not been reported for this variant. This variant has not been reported in individuals affected with PALB2-related disorders in the literature. This variant has not been identified in the general population by the Genome Aggregation Database (gnomAD). The available evidence is insufficient to determine the role of this variant in disease conclusively. Therefore, this variant is classified as a Variant of Uncertain Significance.